The following is an entry in ClinVar:

ClinVar aggregate classification (germline): Uncertain significance (1 of 4 stars; one submission).

Conditions:
Combined immunodeficiency due to LRBA deficiency. Also called: Common variable immunodeficiency 8, with autoimmunity. Identifiers: Orphanet 445018, MedGen C3553512, MONDO:0013863, OMIM 614700.

Allele frequency attached by ClinVar (database versions not stated): ExAC 0.00001; gnomAD exomes 0.00001 and 0.00002; TOPMed 0.00001.
gnomAD v4.1: 13 of 1,614,114 alleles (0.00081%); highest among the groups gnomAD compares: Admixed American, 0.01%; no homozygotes.

Submission:

Labcorp Genetics (formerly Invitae), Labcorp
Classification: Uncertain significance for Combined immunodeficiency due to LRBA deficiency. Last evaluated: 2022-08-01. Review status: criteria provided, single submitter. Criteria: Invitae Variant Classification Sherloc (09022015). Collection method: clinical testing. Allele origin: germline.
Comment: This sequence change replaces glycine, which is neutral and non-polar, with valine, which is neutral and non-polar, at codon 38 of the LRBA protein (p.Gly38Val). This variant is present in population databases (rs757110699, gnomAD 0.01%). This variant has not been reported in the literature in individuals affected with LRBA-related conditions. ClinVar contains an entry for this variant (Variation ID: 858955). Algorithms developed to predict the effect of missense changes on protein structure and function are either unavailable or do not agree on the potential impact of this missense change (SIFT: "Tolerated"; PolyPhen-2: "Probably Damaging"; Align-GVGD: "Class C0"). In summary, the available evidence is currently insufficient to determine the role of this variant in disease. Therefore, it has been classified as a Variant of Uncertain Significance.

NM_001364905.1(LRBA):c.113G>T (p.Gly38Val)

Gene: LRBA (LPS responsive beige-like anchor protein; minus strand). Cytogenetic location: 4q31.3.
Variant type: single nucleotide variant.
Coding change: c.113G>T on transcript NM_001364905.1 (MANE Select); coding-DNA position 113, G replaced by T.
Protein change: p.Gly38Val; replaces glycine 38 with valine.
Molecular consequence: missense variant.
Genome position (GRCh38, 1-based): chr4:151,014,530, C>A on the plus strand (G>T on the coding strand, the complement: LRBA is on the minus strand). VCF-style: chr4-151014530-C-A. GRCh37 (hg19) VCF-style: chr4-151935682-C-A.
Other names: c.113G>T, p.Gly38Val (NM_001199282.3, NM_001367550.1, NM_006726.5); short protein forms G38V.
Identifiers: ClinVar variation 858955 (VCV000858955.7), dbSNP rs757110699, ClinGen allele CA3103966.